The following is an entry in ClinVar:

ClinVar aggregate classification (germline): Likely benign (1 of 4 stars; one submission).

gnomAD v4.1: 113 of 1,595,684 alleles (0.0071%); highest among the groups gnomAD compares: Middle Eastern, 0.017%; no homozygotes.

Submission:

CeGaT Center for Human Genetics Tuebingen
Classification: Likely benign. Last evaluated: 2025-02-01. Review status: criteria provided, single submitter. Criteria: CeGaT Center For Human Genetics Tuebingen Variant Classification Criteria Version 2. Collection method: clinical testing. Allele origin: germline. Affected: yes. Observed: 1 variant allele.
Comment: ABCC9: BP4, BP7

NM_020297.4(ABCC9):c.3669+21C>T

Genes: ABCC9 (ATP binding cassette subfamily C member 9; minus strand), KCNJ8-AS1 (KCNJ8 antisense RNA 1; plus strand). Cytogenetic location: 12p12.1.
Variant type: single nucleotide variant.
Coding change: c.3669+21C>T on transcript NM_020297.4 (MANE Select); 21 bases into the intron after coding-DNA position 3669, C replaced by T.
Molecular consequence: intron variant.
Genome position (GRCh38, 1-based): chr12:21,828,937, G>A on the plus strand (C>T on the coding strand, the complement: ABCC9 is on the minus strand). VCF-style: chr12-21828937-G-A. GRCh37 (hg19) VCF-style: chr12-21981871-G-A.
Other names: c.2802+21C>T (NM_001377274.1); c.3669+21C>T (NM_005691.4, NM_001377273.1).
Identifiers: ClinVar variation 3770592 (VCV003770592.13).